The following continues an entry in ClinVar:

NM_000256.3(MYBPC3):c.2497G>A (p.Ala833Thr)

Gene: MYBPC3. ClinVar aggregate classification (germline): Conflicting classifications of pathogenicity. Uncertain significance (2); Likely benign (12).

Submissions 20 to 24 of 24:

Clinical Genetics DNA and cytogenetics Diagnostics Lab, Erasmus MC, Erasmus Medical Center
Classification: Likely benign. Review status: no assertion criteria provided. Collection method: clinical testing. Allele origin: germline. Affected: yes. Study: VKGL Data-share Consensus. Not counted in ClinVar's aggregate classification.

Clinical Genetics, Academic Medical Center
Classification: Likely benign. Review status: no assertion criteria provided. Collection method: clinical testing. Allele origin: germline. Affected: yes. Study: VKGL Data-share Consensus. Not counted in ClinVar's aggregate classification.

Diagnostic Laboratory, Department of Genetics, University Medical Center Groningen
Classification: Likely benign. Review status: no assertion criteria provided. Collection method: clinical testing. Allele origin: germline. Affected: yes. Study: VKGL Data-share Consensus. Not counted in ClinVar's aggregate classification.

Genome Diagnostics Laboratory, University Medical Center Utrecht
Classification: Likely benign. Review status: no assertion criteria provided. Collection method: clinical testing. Allele origin: germline. Affected: yes. Study: VKGL Data-share Consensus. Not counted in ClinVar's aggregate classification.

Joint Genome Diagnostic Labs from Nijmegen and Maastricht, Radboudumc and MUMC+
Classification: Likely benign. Review status: no assertion criteria provided. Collection method: clinical testing. Allele origin: germline. Affected: yes. Study: VKGL Data-share Consensus. Not counted in ClinVar's aggregate classification.

Literature cited by the submitters: PubMed 12818575 (cited by 5 submitters); PubMed 14563344 (cited by 3 submitters); PubMed 15114369 (cited by Women's Health and Genetics/Laboratory Corporation of America, LabCorp and Laboratory for Molecular Medicine, Mass General Brigham Personalized Medicine); PubMed 15166115 (cited by Women's Health and Genetics/Laboratory Corporation of America, LabCorp); PubMed 15115610 (cited by Women's Health and Genetics/Laboratory Corporation of America, LabCorp); PubMed 15519027 (cited by 4 submitters); PubMed 12566107 (cited by Women's Health and Genetics/Laboratory Corporation of America, LabCorp); PubMed 18761664 (cited by Women's Health and Genetics/Laboratory Corporation of America, LabCorp); PubMed 23396983 (cited by Women's Health and Genetics/Laboratory Corporation of America, LabCorp); PubMed 22361390 (cited by Women's Health and Genetics/Laboratory Corporation of America, LabCorp); PubMed 23299917 (cited by Women's Health and Genetics/Laboratory Corporation of America, LabCorp and Ambry Genetics); PubMed 20215591 (cited by 4 submitters); PubMed 22194935 (cited by Women's Health and Genetics/Laboratory Corporation of America, LabCorp and Blueprint Genetics); PubMed 24055113 (cited by Women's Health and Genetics/Laboratory Corporation of America, LabCorp and Ambry Genetics); PubMed 24503780 (cited by Women's Health and Genetics/Laboratory Corporation of America, LabCorp and Ambry Genetics); PubMed 23418287 (cited by Ambry Genetics); PubMed 23861362 (cited by Ambry Genetics); PubMed 27153395 (cited by Ambry Genetics); PubMed 29367541 (cited by Ambry Genetics).